The following is an entry in ClinVar:

ClinVar aggregate classification (germline): Uncertain significance (1 of 4 stars; one submission).

Submission:

GeneDx
Classification: Uncertain significance. Last evaluated: 2023-02-09. Review status: criteria provided, single submitter. Criteria: GeneDx Variant Classification Process June 2021. Collection method: clinical testing. Allele origin: germline. Affected: yes.
Comment: Not observed at significant frequency in large population cohorts (gnomAD); In silico analysis supports that this missense variant has a deleterious effect on protein structure/function; Has not been previously published as pathogenic or benign to our knowledge

NM_181303.2(NLGN3):c.1052G>A (p.Cys351Tyr)

Gene: NLGN3 (neuroligin 3; plus strand). Cytogenetic location: Xq13.1.
Variant type: single nucleotide variant.
Coding change: c.1052G>A on transcript NM_181303.2 (MANE Select); coding-DNA position 1052, G replaced by A.
Protein change: p.Cys351Tyr; replaces cysteine 351 with tyrosine.
Molecular consequence: missense variant.
Genome position (GRCh38, 1-based): chrX:71,167,149, G>A. VCF-style: chrX-71167149-G-A. GRCh37 (hg19) VCF-style: chrX-70386999-G-A.
Other names: c.932G>A, p.Cys311Tyr (NM_001166660.2); c.641G>A, p.Cys214Tyr (NM_001321276.2); c.992G>A, p.Cys331Tyr (NM_018977.4); short protein forms C214Y, C311Y, C331Y, C351Y.
Identifiers: ClinVar variation 2575543 (VCV002575543.1), dbSNP rs2092449741, ClinGen allele CA413559548.